The following is an entry in ClinVar:

ClinVar aggregate classification (germline): Uncertain significance (1 of 4 stars; one submission).

Conditions:
Inborn genetic diseases. Identifiers: MedGen C0950123, MeSH D030342.

gnomAD v4.1: 1 of 1,612,934 alleles (0.000062%); highest among the groups gnomAD compares: Non-Finnish European, 0.000085%; no homozygotes.

Submission:

Ambry Genetics
Classification: Uncertain significance for Inborn genetic diseases. Last evaluated: 2025-03-15. Review status: criteria provided, single submitter. Criteria: Ambry Variant Classification Scheme 2023. Collection method: clinical testing. Allele origin: germline.
Comment: The p.Q381E variant (also known as c.1141C>G), located in coding exon 6 of the RECQL4 gene, results from a C to G substitution at nucleotide position 1141. The glutamine at codon 381 is replaced by glutamic acid, an amino acid with highly similar properties. This amino acid position is conserved. In addition, the in silico prediction for this alteration is inconclusive. Based on the available evidence, the clinical significance of this variant remains unclear.

NM_004260.4(RECQL4):c.1141C>G (p.Gln381Glu)

Gene: RECQL4 (RecQ like helicase 4; minus strand). Cytogenetic location: 8q24.3.
Variant type: single nucleotide variant.
Coding change: c.1141C>G on transcript NM_004260.4 (MANE Select); coding-DNA position 1141, C replaced by G.
Protein change: p.Gln381Glu; replaces glutamine 381 with glutamic acid.
Molecular consequence: missense variant. On other transcripts: non-coding transcript variant (3), intron variant (1).
Genome position (GRCh38, 1-based): chr8:144,515,881, G>C on the plus strand (C>G on the coding strand, the complement: RECQL4 is on the minus strand). VCF-style: chr8-144515881-G-C. GRCh37 (hg19) VCF-style: chr8-145741265-G-C.
Other names: c.1045C>G, p.Gln349Glu (NM_001413017.1, NM_001413020.1); c.1141C>G, p.Gln381Glu (NM_001413018.1, NM_001413019.1, NM_001413033.1 and 2 more transcripts); c.70C>G, p.Gln24Glu (NM_001413021.1, NM_001413022.1, NM_001413023.1 and 8 more transcripts); c.1012C>G, p.Gln338Glu (NM_001413025.1); c.8C>G, p.Ala3Gly (NM_001413027.1, NM_001413030.1, NM_001413031.1 and 2 more transcripts); c.790C>G, p.Gln264Glu (NM_001413029.1); c.-210+107C>G (NM_001413043.1); short protein forms Q381E, Q24E, Q338E, Q264E, A3G, Q349E.
Identifiers: ClinVar variation 3944233 (VCV003944233.1).
Genomic context (GRCh38, chr8:144,515,881, plus strand): 5'-CCTTGGTTGTGACTGTGGCACCACCACCCCCAAAACACTCCCCTTTCTTCCGCCACTTCT[G>C]CTTCCATGCCTGGGGGGTGCCCACATAGGAGGGTCACTGGGCGGGAAATACGGGAGGGCT-3'
Protein context (NP_004251.4, residues 371-391): SRLLRKQAWK[Gln381Glu]KWRKKGECFG